The following is an entry in ClinVar:

ClinVar aggregate classification (germline): Likely pathogenic (1 of 4 stars; one submission).

Conditions:
Nemaline myopathy 2 (NEM2). Also called: Nemaline myopathy 2, autosomal recessive. Identifiers: MedGen C1850569, MONDO:0009725, OMIM 256030.

Submission:

Labcorp Genetics (formerly Invitae), Labcorp
Classification: Likely pathogenic for Nemaline myopathy 2. Last evaluated: 2023-11-06. Review status: criteria provided, single submitter. Criteria: Invitae Variant Classification Sherloc (09022015). Collection method: clinical testing. Allele origin: unknown.
Comment: This variant results in the deletion of part of exon 63 (c.8909_8995-56del) of the NEB gene. It is expected to disrupt RNA splicing. Variants that disrupt the donor or acceptor splice site typically lead to a loss of protein function (PMID: 16199547), and loss-of-function variants in NEB are known to be pathogenic (PMID: 25205138). This variant has not been reported in the literature in individuals affected with NEB-related conditions. In summary, the currently available evidence indicates that the variant is pathogenic, but additional data are needed to prove that conclusively. Therefore, this variant has been classified as Likely Pathogenic.

Literature cited by the submitters: PubMed 16199547; PubMed 25205138.

NC_000002.11:g.(?_152492904)_(152495879_?)del

Gene: NEB (nebulin; minus strand). Cytogenetic location: 2q23.3.
Variant type: Deletion.
Identifiers: ClinVar variation 3247263 (VCV003247263.1).